The following is an entry in ClinVar:

ClinVar aggregate classification (germline): Uncertain significance (1 of 4 stars; one submission).

gnomAD v4.1: 3 of 1,613,214 alleles (0.00019%); highest among the groups gnomAD compares: South Asian, 0.0022%; no homozygotes.

Submission:

Labcorp Genetics (formerly Invitae), Labcorp
Classification: Uncertain significance. Last evaluated: 2025-11-08. Review status: criteria provided, single submitter. Criteria: Invitae Variant Classification Sherloc (09022015). Collection method: clinical testing. Allele origin: germline.
Comment: This sequence change replaces glutamine, which is neutral and polar, with lysine, which is basic and polar, at codon 374 of the DCHS1 protein (p.Gln374Lys). This variant is present in population databases (no rsID available, gnomAD 0.003%). This variant has not been reported in the literature in individuals affected with DCHS1-related conditions. ClinVar contains an entry for this variant (Variation ID: 3686418). Invitae Evidence Modeling of protein sequence and biophysical properties (such as structural, functional, and spatial information, amino acid conservation, physicochemical variation, residue mobility, and thermodynamic stability) indicates that this missense variant is not expected to disrupt DCHS1 protein function with a negative predictive value of 80%. In summary, the available evidence is currently insufficient to determine the role of this variant in disease. Therefore, it has been classified as a Variant of Uncertain Significance.

NM_003737.4(DCHS1):c.1120C>A (p.Gln374Lys)

Gene: DCHS1 (dachsous cadherin-related 1; minus strand). Cytogenetic location: 11p15.4.
Variant type: single nucleotide variant.
Coding change: c.1120C>A on transcript NM_003737.4 (MANE Select); coding-DNA position 1120, C replaced by A.
Protein change: p.Gln374Lys; replaces glutamine 374 with lysine.
Molecular consequence: missense variant.
Genome position (GRCh38, 1-based): chr11:6,640,494, G>T on the plus strand (C>A on the coding strand, the complement: DCHS1 is on the minus strand). VCF-style: chr11-6640494-G-T. GRCh37 (hg19) VCF-style: chr11-6661725-G-T.
Other names: short protein forms Q374K.
Identifiers: ClinVar variation 3686418 (VCV003686418.2).